The following is an entry in ClinVar:

ClinVar aggregate classification (germline): Conflicting classifications of pathogenicity. Review status: criteria provided, conflicting classifications (1 of 4 stars). 3 submissions from 3 submitters: Uncertain significance (2); Likely benign (1). Last evaluated 2026-01-25.

Conditions:
Tuberous sclerosis 1 (TSC1). Identifiers: Orphanet 805, MedGen C1854465, MONDO:0008612, OMIM 191100.
Hereditary cancer-predisposing syndrome. Also called: Hereditary neoplastic syndrome; Tumor predisposition; Neoplastic Syndromes, Hereditary; Hereditary Cancer Syndrome. Identifiers: Orphanet 140162, MedGen C0027672, MeSH D009386, MONDO:0015356.

Submissions (3):

Labcorp Genetics (formerly Invitae), Labcorp
Classification: Uncertain significance for Tuberous sclerosis 1. Last evaluated: 2026-01-25. Review status: criteria provided, single submitter. Criteria: Invitae Variant Classification Sherloc (09022015). Collection method: clinical testing. Allele origin: germline.
Comment: This sequence change replaces methionine, which is neutral and non-polar, with threonine, which is neutral and polar, at codon 1067 of the TSC1 protein (p.Met1067Thr). This variant is not present in population databases (gnomAD no frequency). This variant has not been reported in the literature in individuals affected with TSC1-related conditions. ClinVar contains an entry for this variant (Variation ID: 856614). Invitae Evidence Modeling of protein sequence and biophysical properties (such as structural, functional, and spatial information, amino acid conservation, physicochemical variation, residue mobility, and thermodynamic stability) indicates that this missense variant is not expected to disrupt TSC1 protein function with a negative predictive value of 95%. In summary, the available evidence is currently insufficient to determine the role of this variant in disease. Therefore, it has been classified as a Variant of Uncertain Significance.

Ambry Genetics
Classification: Likely benign for Hereditary cancer-predisposing syndrome. Last evaluated: 2024-02-27. Review status: criteria provided, single submitter. Criteria: Ambry Variant Classification Scheme 2023. Collection method: clinical testing. Allele origin: germline.

GeneDx
Classification: Uncertain significance. Last evaluated: 2023-02-22. Review status: criteria provided, single submitter. Criteria: GeneDx Variant Classification Process June 2021. Collection method: clinical testing. Allele origin: germline. Affected: yes.
Comment: Not observed at significant frequency in large population cohorts (gnomAD); In silico analysis supports that this missense variant does not alter protein structure/function; Has not been previously published as pathogenic or benign to our knowledge

NM_000368.5(TSC1):c.3200T>C (p.Met1067Thr)

Gene: TSC1 (TSC complex subunit 1; minus strand). Cytogenetic location: 9q34.13.
Variant type: single nucleotide variant.
Coding change: c.3200T>C on transcript NM_000368.5 (MANE Select); coding-DNA position 3200, T replaced by C.
Protein change: p.Met1067Thr; replaces methionine 1067 with threonine.
Molecular consequence: missense variant.
Genome position (GRCh38, 1-based): chr9:132,896,530, A>G on the plus strand (T>C on the coding strand, the complement: TSC1 is on the minus strand). VCF-style: chr9-132896530-A-G. GRCh37 (hg19) VCF-style: chr9-135771917-A-G.
Other names: c.3197T>C, p.Met1066Thr (NM_001162426.2); c.3047T>C, p.Met1016Thr (NM_001162427.2); c.2837T>C, p.Met946Thr (NM_001362177.2); short protein forms M1066T, M1016T, M1067T, M946T.
Identifiers: ClinVar variation 856614 (VCV000856614.11), dbSNP rs1167362899, ClinGen allele CA375367041.